The following is an entry in ClinVar:

NM_176787.5(PIGN):c.2746A>G (p.Thr916Ala)

Gene: PIGN (phosphatidylinositol glycan anchor biosynthesis class N; minus strand). Cytogenetic location: 18q21.33.
Variant type: single nucleotide variant.
Coding change: c.2746A>G on transcript NM_176787.5 (MANE Select); coding-DNA position 2746, A replaced by G.
Protein change: p.Thr916Ala; replaces threonine 916 with alanine.
Molecular consequence: missense variant.
Genome position (GRCh38, 1-based): chr18:62,045,906, T>C on the plus strand (A>G on the coding strand, the complement: PIGN is on the minus strand). VCF-style: chr18-62045906-T-C. GRCh37 (hg19) VCF-style: chr18-59713139-T-C.
Other names: c.2746A>G, p.Thr916Ala (NM_012327.6); short protein forms T916A.
Identifiers: ClinVar variation 946479 (VCV000946479.9), dbSNP rs754732184, ClinGen allele CA8981875.

ClinVar aggregate classification (germline): Uncertain significance. Review status: criteria provided, multiple submitters, no conflicts (2 of 4 stars). 2 submissions from 2 submitters: Uncertain significance (2). Last evaluated 2024-07-14.

Conditions:
Multiple congenital anomalies-hypotonia-seizures syndrome 1 (MCAHS1). Also called: PIGN-CDG; Congenital disorder of glycosylation due to PIGN deficiency; GLYCOSYLPHOSPHATIDYLINOSITOL BIOSYNTHESIS DEFECT 3. Identifiers: Orphanet 280633, MedGen C3279775, MONDO:0013563, OMIM 614080.
Inborn genetic diseases. Identifiers: MedGen C0950123, MeSH D030342.

Allele frequency attached by ClinVar (database versions not stated): gnomAD exomes below 0.00001 and 0.00002; ExAC 0.00002; gnomAD 0.00004; TOPMed 0.00006.
gnomAD v4.1: 10 of 1,613,752 alleles (0.00062%); highest among the groups gnomAD compares: African/African-American, 0.012%; no homozygotes.

Submissions (2):

Ambry Genetics
Classification: Uncertain significance for Inborn genetic diseases. Last evaluated: 2024-07-14. Review status: criteria provided, single submitter. Criteria: Ambry Variant Classification Scheme 2023. Collection method: clinical testing. Allele origin: germline.

Labcorp Genetics (formerly Invitae), Labcorp
Classification: Uncertain significance for Multiple congenital anomalies-hypotonia-seizures syndrome 1. Last evaluated: 2024-05-15. Review status: criteria provided, single submitter. Criteria: Invitae Variant Classification Sherloc (09022015). Collection method: clinical testing. Allele origin: germline.
Comment: This sequence change replaces threonine, which is neutral and polar, with alanine, which is neutral and non-polar, at codon 916 of the PIGN protein (p.Thr916Ala). This variant is present in population databases (rs754732184, gnomAD 0.03%). This variant has not been reported in the literature in individuals affected with PIGN-related conditions. ClinVar contains an entry for this variant (Variation ID: 946479). Advanced modeling of protein sequence and biophysical properties (such as structural, functional, and spatial information, amino acid conservation, physicochemical variation, residue mobility, and thermodynamic stability) performed at Invitae indicates that this missense variant is expected to disrupt PIGN protein function with a positive predictive value of 80%. In summary, the available evidence is currently insufficient to determine the role of this variant in disease. Therefore, it has been classified as a Variant of Uncertain Significance.